The following is an entry in ClinVar:

NM_005529.7(HSPG2):c.2263G>A (p.Gly755Arg)

Gene: HSPG2 (heparan sulfate proteoglycan 2; minus strand). Cytogenetic location: 1p36.12.
Variant type: single nucleotide variant.
Coding change: c.2263G>A on transcript NM_005529.7 (MANE Select); coding-DNA position 2263, G replaced by A.
Protein change: p.Gly755Arg; replaces glycine 755 with arginine.
Molecular consequence: missense variant.
Genome position (GRCh38, 1-based): chr1:21,880,187, C>T on the plus strand (G>A on the coding strand, the complement: HSPG2 is on the minus strand). VCF-style: chr1-21880187-C-T. GRCh37 (hg19) VCF-style: chr1-22206680-C-T.
Other names: c.2266G>A, p.Gly756Arg (NM_001291860.2); short protein forms G756R, G755R.
Identifiers: ClinVar variation 2872391 (VCV002872391.3), dbSNP rs773186894, ClinGen allele CA673124.

ClinVar aggregate classification (germline): Uncertain significance (1 of 4 stars; one submission).

Allele frequency attached by ClinVar (database versions not stated): gnomAD exomes below 0.00001; ExAC 0.00001.
gnomAD v4.1: 2 of 1,614,190 alleles (0.00012%); highest among the groups gnomAD compares: African/African-American, 0.0013%; no homozygotes.

Submission:

Labcorp Genetics (formerly Invitae), Labcorp
Classification: Uncertain significance. Last evaluated: 2024-01-12. Review status: criteria provided, single submitter. Criteria: Invitae Variant Classification Sherloc (09022015). Collection method: clinical testing. Allele origin: germline.
Comment: This sequence change replaces glycine, which is neutral and non-polar, with arginine, which is basic and polar, at codon 755 of the HSPG2 protein (p.Gly755Arg). This variant is present in population databases (rs773186894, gnomAD 0.003%). This variant has not been reported in the literature in individuals affected with HSPG2-related conditions. An algorithm developed to predict the effect of missense changes on protein structure and function (PolyPhen-2) suggests that this variant is likely to be tolerated. In summary, the available evidence is currently insufficient to determine the role of this variant in disease. Therefore, it has been classified as a Variant of Uncertain Significance.